The following is an entry in ClinVar:

ClinVar aggregate classification (germline): Uncertain significance. Review status: criteria provided, multiple submitters, no conflicts (2 of 4 stars). 2 submissions from 2 submitters: Uncertain significance (2). Last evaluated 2026-05-04.

Conditions:
PLXNA3-related disorder. Also called: PLXNA3-related condition.

Submissions (2):

PreventionGenetics, part of Exact Sciences
Classification: Uncertain significance for PLXNA3-related condition. Last evaluated: 2026-05-04. Review status: criteria provided, single submitter. Criteria: ACMG Guidelines, 2015. Collection method: clinical testing. Allele origin: germline.
Comment: The PLXNA3 c.2942A>C variant is predicted to result in the amino acid substitution p.Asp981Ala. To our knowledge, this variant has not been reported in the literature. This variant is reported in 0.0024% of alleles in individuals of European (Non-Finnish) descent in gnomAD. At this time, the clinical significance of this variant is uncertain due to the absence of conclusive functional and genetic evidence.

Ambry Genetics
Classification: Uncertain significance. Last evaluated: 2021-08-02. Review status: criteria provided, single submitter. Criteria: Ambry Variant Classification Scheme 2023. Collection method: clinical testing. Allele origin: germline.

NM_017514.5(PLXNA3):c.2942A>C (p.Asp981Ala)

Gene: PLXNA3 (plexin A3; plus strand). Cytogenetic location: Xq28.
Variant type: single nucleotide variant.
Coding change: c.2942A>C on transcript NM_017514.5 (MANE Select); coding-DNA position 2942, A replaced by C.
Protein change: p.Asp981Ala; replaces aspartic acid 981 with alanine.
Molecular consequence: missense variant.
Genome position (GRCh38, 1-based): chrX:154,466,628, A>C. VCF-style: chrX-154466628-A-C. GRCh37 (hg19) VCF-style: chrX-153694971-A-C.
Other names: short protein forms D981A.
Identifiers: ClinVar variation 2407382 (VCV002407382.4), dbSNP rs782538859, ClinGen allele CA415242570.